The following continues an entry in ClinVar:

NM_004004.6(GJB2):c.167del (p.Leu56fs)

Gene: GJB2. ClinVar aggregate classification (germline): Pathogenic. Pathogenic (1).

Submissions 21 to 36 of 36:

Ambry Genetics
Classification: Pathogenic for Inborn genetic diseases. Last evaluated: 2020-02-11. Review status: criteria provided, single submitter. Criteria: Ambry Variant Classification Scheme 2023. Collection method: clinical testing. Allele origin: germline. Not counted in ClinVar's aggregate classification.
Comment: The alteration results in a premature stop codon: _x000D_ _x000D_ The c.167delT (p.L56Rfs*26) alteration, located in exon 2 (coding exon 1) of the GJB2 gene, results from a deletion of one nucleotide at position 167, causing a translational frameshift with a predicted alternate stop codon after 26 amino acids. Frameshifts are typically deleterious in nature; however, this frameshift occurs at the 3' terminus of GJB2, is not expected to trigger nonsense-mediated mRNA decay, and a truncated mutant protein could still be expressed (Maquat, 2004). This alteration impacts the last three-quarters of the protein. The alteration has been observed in population databases: _x000D_ _x000D_ Based on data from the Genome Aggregation Database (gnomAD), the GJB2 c.167delT alteration was observed in 0.08% (227/282466) of total alleles studied, with a frequency of 1.6% (168/10326) in the Ashkenazi Jewish subpopulation, including 3 homozygotes. The alteration has been observed in affected individuals: _x000D_ _x000D_ That alteration has been observed in conjunction with a second disease-causing allele in multiple individuals with non-syndromic hearing loss (Zelante, 1997; Morell, 1998; Dzhemileva, 2010; Mikstiene, 2016). Based on the available evidence, this alteration is classified as pathogenic.

CeGaT Center for Human Genetics Tuebingen
Classification: Pathogenic. Last evaluated: 2020-02-01. Review status: criteria provided, single submitter. Criteria: CeGaT Center For Human Genetics Tuebingen Variant Classification Criteria Version 2. Collection method: clinical testing. Allele origin: germline. Affected: yes. Observed: 3 variant alleles. Not counted in ClinVar's aggregate classification.

Myriad Genetics, Inc.
Classification: Pathogenic for Autosomal recessive nonsyndromic hearing loss 1A. Last evaluated: 2019-10-18. Review status: criteria provided, single submitter. Criteria: Myriad Women's Health Autosomal Recessive and X-Linked Classification Criteria (2019). Collection method: clinical testing. Allele origin: unknown. Not counted in ClinVar's aggregate classification.
Comment: NM_004004.5(GJB2):c.167delT(L56Rfs*26) is classified as pathogenic in the context of GJB2-related DFNB1 nonsyndromic hearing loss and deafness. Please note that L56Rfs*26 is associated with a variable presentation, ranging from mild to profound hearing loss. Sources cited for classification include the following: PMID 24158611, 10049954, 16380907, 10596881, 11556849, 11074495, and 10982182. Classification of NM_004004.5(GJB2):c.167delT(L56Rfs*26) is based on the following criteria: The variant causes a premature termination codon that is not expected to be targeted by nonsense-mediated mRNA decay; however, literature evidence strongly supports pathogenicity. Please note: this variant was assessed in the context of healthy population screening.

GeneDx
Classification: Pathogenic. Last evaluated: 2019-09-05. Review status: criteria provided, single submitter. Criteria: GeneDx Variant Classification Process June 2021. Collection method: clinical testing. Allele origin: germline. Affected: yes. Not counted in ClinVar's aggregate classification.
Comment: Most individuals heterozygous for the c.167delT variant have normal hearing, although subclinical differences in the otoacoustic emissions of carriers has been noted upon audiologic examination (Morell et al., 1998); Frameshift variant predicted to result in protein truncation, as the last 171 amino acids are lost and replaced with 25 incorrect amino acids (Stenson et al., 2014); Classified as pathogenic by the ClinGen Hearing Loss Variant Curation Expert Panel (SCV000840535.3; Oza et al., 2018); Observed in 218/276720 (0.08%) alleles from individuals in large population cohorts, including 3 homozygous individuals (Lek et al., 2016); This variant is associated with the following publications: (PMID: 27153395, 28702509, 22785241, 17666888, 24158611, 31160754, 25262649, 21465647, 22975760, 20739944, 11668644, 9819448, 26896187, 9285800, 26990548, 16380907, 15967879, 10982182, 23891399, 10903123, 20301449, 26096904, 24529908, 19125024, 15547683, 26236732, 11935342, 11386851, 29542069, 29984802, 27018795, 29431110, 11074495, 31370293, 31827275, 31980526, 32747562, 33096615, 31589614, 32067424)

Illumina Laboratory Services, Illumina
Classification: Pathogenic for GJB2-Related Disorders. Last evaluated: 2018-05-16. Review status: criteria provided, single submitter. Criteria: ICSL Variant Classification Criteria 09 May 2019. Collection method: clinical testing. Allele origin: germline. Not counted in ClinVar's aggregate classification.
Comment: The GJB2 c.167delT (p.Leu56ArgfsTer26) variant results in a frameshift and is predicted to result in premature truncation of the protein. The p.Leu56ArgfsTer26 variant is a well-known variant that is common in the Ashkenazi Jewish population, where the carrier rate is as high as 7.5% (Lerer et al. 2000). Across a selection of the available literature, the p.Leu56ArgfsTer26 variant has been identified in a total of 34 patients with autosomal recessive nonsyndromic hearing loss, including in 16 in a homozygous state, in 15 in a compound heterozygous state, and in three in a heterozygous state (Zelante et al. 1997; Morell et al. 1998; Lerer et al. 2000; Batissoco et al. 2009; Bonyadi et al. 2014; Amorini et al. 2015). The p.Leu56ArgfsTer26 variant was shown to segregate with disease in at least one family. Patients with this variant show a spectrum of phenotypic manifestation from mild to profound hearing loss, even among affected family members (Morell et al. 1998). Control data is unavailable for this variant, which is reported at a frequency of 0.00145 in the European-American population of the Exome Sequencing Project (Morell et al. 1998; Lerer et al. 2000). Based on the collective evidence and the potential impact of frameshift variants, the p.Leu56ArgfsTer26 variant is classified as pathogenic for GJB2-related disorders. This variant was observed by ICSL as part of a predisposition screen in an ostensibly healthy population.

Women's Health and Genetics/Laboratory Corporation of America, LabCorp
Classification: Pathogenic for Autosomal recessive nonsyndromic hearing loss 1A. Last evaluated: 2017-08-25. Review status: criteria provided, single submitter. Criteria: LabCorp Variant Classification Summary - May 2015. Collection method: clinical testing. Allele origin: germline. Not counted in ClinVar's aggregate classification.
Comment: Variant summary: The c.167delT variant results in a premature termination codon, predicted to cause a truncated or absent GJB2 protein, which is a commonly known mechanism for disease. Truncations downstream of this position have been classified as pathogenic by our laboratory (e.g. c.269dupT, c.313_326del, c.647_650delGATA, etc.). This variant was found in 84/123144 control chromosomes (3 homozygotes) at a frequency of 0.0006821, which does not exceed the estimated maximal expected allele frequency of a pathogenic GJB2 variant (0.025). This variant is a well-known common pathogenic variant predominantly found in Ashkenazi Jewish population. In addition, multiple clinical laboratories/reputable databases have classified this variant as pathogenic. Taken together, this variant has been classified as pathogenic.

Genomic Diagnostic Laboratory, Division of Genomic Diagnostics, Children's Hospital of Philadelphia
Classification: Pathogenic for Deafness, autosomal recessive 1A. Last evaluated: 2017-05-09. Review status: criteria provided, single submitter. Criteria: DGD Variant Analysis Guidelines. Collection method: clinical testing. Allele origin: germline. Affected: yes and no. Observed: 22 variant alleles. Not counted in ClinVar's aggregate classification.

Eurofins Ntd Llc (ga)
Classification: Pathogenic. Last evaluated: 2015-07-30. Review status: criteria provided, single submitter. Criteria: EGL Classification Definitions 2015. Collection method: clinical testing. Allele origin: germline. Observed: 11 variant alleles, 10 heterozygotes, 1 homozygote. Not counted in ClinVar's aggregate classification.

Genetic Services Laboratory, University of Chicago
Classification: Pathogenic for Hearing impairment. Last evaluated: 2013-02-08. Review status: criteria provided, single submitter. Criteria: ACMG Guidelines, 2007. Collection method: clinical testing. Allele origin: germline. Inheritance: Autosomal recessive inheritance. Affected: yes. Not counted in ClinVar's aggregate classification.

Laboratory for Molecular Medicine, Mass General Brigham Personalized Medicine
Classification: Pathogenic for Rare genetic deafness. Last evaluated: 2011-12-08. Review status: criteria provided, single submitter. Criteria: LMM Criteria. Collection method: clinical testing. Allele origin: germline. Observed: 39 variant alleles. Not counted in ClinVar's aggregate classification.
Comment: The c.167delT variant in GJB2 is known to be pathogenic with many supporting pub lications. PVS1, PM3_VeryStrong.

Baylor Genetics
Classification: Pathogenic for Autosomal recessive nonsyndromic hearing loss 1A; Autosomal recessive nonsyndromic hearing loss 1B. Review status: criteria provided, single submitter. Criteria: ACMG Guidelines, 2015. Collection method: clinical testing. Allele origin: germline. Not counted in ClinVar's aggregate classification.

Division of Human Genetics, Children's Hospital of Philadelphia
Classification: Pathogenic for Knuckle pads, deafness AND leukonychia syndrome; Autosomal dominant keratitis-ichthyosis-hearing loss syndrome; Palmoplantar keratoderma-deafness syndrome; Autosomal dominant nonsyndromic hearing loss 3A; Mutilating keratoderma; Autosomal recessive nonsyndromic hearing loss 1A. Last evaluated: 2016-01-25. Review status: no assertion criteria provided. Collection method: research. Allele origin: germline. Study: CSER-PediSeq. Not counted in ClinVar's aggregate classification.

Counsyl
Classification: Pathogenic for Autosomal dominant nonsyndromic hearing loss 3A. Last evaluated: 2015-12-18. Review status: no assertion criteria provided. Collection method: clinical testing. Allele origin: unknown. Not counted in ClinVar's aggregate classification.

Clinical Molecular Genetics Laboratory, Johns Hopkins All Children's Hospital
Classification: Pathogenic for Hearing loss. Last evaluated: 2013-05-22. Review status: no assertion criteria provided. Collection method: clinical testing. Allele origin: germline. Affected: yes. Not counted in ClinVar's aggregate classification.

OMIM
Classification: Pathogenic for DEAFNESS, AUTOSOMAL RECESSIVE 1A. Last evaluated: 1998-11-19. Review status: no assertion criteria provided. Collection method: literature only. Allele origin: germline. Not counted in ClinVar's aggregate classification.

GeneReviews
No classification provided. Condition: Autosomal recessive nonsyndromic hearing loss 1A. Review status: no classification provided. Collection method: literature only. Allele origin: unknown. Not counted in ClinVar's aggregate classification.

Literature cited by the submitters: PubMed 24158611 (cited by 7 submitters); PubMed 26096904 (cited by 8 submitters); PubMed 24529908 (cited by 7 submitters); PubMed 9285800 (cited by 9 submitters); PubMed 17666888 (cited by 7 submitters); PubMed 15967879 (cited by Labcorp Genetics (formerly Invitae), Labcorp and Athena Diagnostics); PubMed 16380907 (cited by 3 submitters); PubMed 21465647 (cited by Labcorp Genetics (formerly Invitae), Labcorp and Athena Diagnostics); PubMed 22695344 (cited by Labcorp Genetics (formerly Invitae), Labcorp and Athena Diagnostics); PubMed 9819448 (cited by 12 submitters); PubMed 10982182 (cited by 4 submitters); PubMed 11935342 (cited by 4 submitters); PubMed 20301449 (cited by 3 submitters); PubMed 11074495 (cited by 4 submitters); PubMed 27224056 (cited by Johns Hopkins Genomics, Johns Hopkins University); PubMed 20739944 (cited by Athena Diagnostics and Ambry Genetics); PubMed 26236732 (cited by Athena Diagnostics and Women's Health and Genetics/Laboratory Corporation of America, LabCorp); PubMed 22785241 (cited by Athena Diagnostics and Laboratory for Molecular Medicine, Mass General Brigham Personalized Medicine); PubMed 19125024 (cited by Athena Diagnostics and Illumina Laboratory Services, Illumina); PubMed 28428247 (cited by Victorian Clinical Genetics Services, Murdoch Childrens Research Institute); PubMed 31160754 (cited by Victorian Clinical Genetics Services, Murdoch Childrens Research Institute); PubMed 26896187 (cited by Ambry Genetics); PubMed 10049954 (cited by Myriad Genetics, Inc.); PubMed 10596881 (cited by Myriad Genetics, Inc.); PubMed 11556849 (cited by Myriad Genetics, Inc.); PubMed 10903123 (cited by Women's Health and Genetics/Laboratory Corporation of America, LabCorp and GeneReviews); PubMed 11386851 (cited by Laboratory for Molecular Medicine, Mass General Brigham Personalized Medicine); PubMed 11668644 (cited by Laboratory for Molecular Medicine, Mass General Brigham Personalized Medicine); PubMed 10508996 (cited by Laboratory for Molecular Medicine, Mass General Brigham Personalized Medicine); NCBI Bookshelf NBK1272 (cited by GeneReviews).